The following is an entry in ClinVar:

ClinVar aggregate classification (germline): Uncertain significance. Review status: criteria provided, multiple submitters, no conflicts (2 of 4 stars). 2 submissions from 2 submitters: Uncertain significance (2). Last evaluated 2023-08-28.

Conditions:
Cardiovascular phenotype. Identifiers: MedGen CN230736.
Hypertrophic cardiomyopathy. Also called: HYPERTROPHIC MYOCARDIOPATHY. Identifiers: Orphanet 217569, MedGen C0007194, MeSH D002312, MONDO:0005045, HP:0001639.

Submissions (2):

Labcorp Genetics (formerly Invitae), Labcorp
Classification: Uncertain significance for Hypertrophic cardiomyopathy. Last evaluated: 2023-08-28. Review status: criteria provided, single submitter. Criteria: Invitae Variant Classification Sherloc (09022015). Collection method: clinical testing. Allele origin: germline.
Comment: In summary, the available evidence is currently insufficient to determine the role of this variant in disease. Therefore, it has been classified as a Variant of Uncertain Significance. Advanced modeling of protein sequence and biophysical properties (such as structural, functional, and spatial information, amino acid conservation, physicochemical variation, residue mobility, and thermodynamic stability) performed at Invitae indicates that this missense variant is expected to disrupt MYH7 protein function. ClinVar contains an entry for this variant (Variation ID: 1796972). This variant has not been reported in the literature in individuals affected with MYH7-related conditions. This variant is not present in population databases (gnomAD no frequency). This sequence change replaces isoleucine, which is neutral and non-polar, with methionine, which is neutral and non-polar, at codon 954 of the MYH7 protein (p.Ile954Met).

Ambry Genetics
Classification: Uncertain significance for Cardiovascular phenotype. Last evaluated: 2022-09-06. Review status: criteria provided, single submitter. Criteria: Ambry Variant Classification Scheme 2023. Collection method: clinical testing. Allele origin: germline.
Comment: The p.I954M variant (also known as c.2862C>G), located in coding exon 21 of the MYH7 gene, results from a C to G substitution at nucleotide position 2862. The isoleucine at codon 954 is replaced by methionine, an amino acid with highly similar properties. This amino acid position is highly conserved in available vertebrate species. In addition, the in silico prediction for this alteration is inconclusive. Since supporting evidence is limited at this time, the clinical significance of this alteration remains unclear.

NM_000257.4(MYH7):c.2862C>G (p.Ile954Met)

Gene: MYH7 (myosin heavy chain 7; minus strand). Cytogenetic location: 14q11.2.
Variant type: single nucleotide variant.
Coding change: c.2862C>G on transcript NM_000257.4 (MANE Select); coding-DNA position 2862, C replaced by G.
Protein change: p.Ile954Met; replaces isoleucine 954 with methionine.
Molecular consequence: missense variant.
Genome position (GRCh38, 1-based): chr14:23,423,967, G>C on the plus strand (C>G on the coding strand, the complement: MYH7 is on the minus strand). VCF-style: chr14-23423967-G-C. GRCh37 (hg19) VCF-style: chr14-23893176-G-C.
Other names: c.2862C>G, p.Ile954Met (NM_001407004.1); short protein forms I954M.
Identifiers: ClinVar variation 1796972 (VCV001796972.5), dbSNP rs982198020, ClinGen allele CA389046783.
Genomic context (GRCh38, chr14:23,423,967, plus strand): 5'-CTTGTTCTCTGTTGCGTGTTTCTCCTTCTCCACTTTGGCCAGTGTCAGCTCCAGATCATC[G>C]ATGTCCCTTTTGAGCTCTGAGCACTCATCTTCCAGCTTGCGCTTCTTGGCAGTGAGCTCA-3'
Protein context (NP_000248.2, residues 944-964): EDECSELKRD[Ile954Met]DDLELTLAKV